The following is an entry in ClinVar:

ClinVar aggregate classification (germline): Uncertain significance (1 of 4 stars; one submission).

Conditions:
Malignant hyperthermia, susceptibility to, 1 (MHS1). Also called: RYR1-Related Malignant Hyperthermia Susceptibility; Malignant hyperthermia suceptibility 1; Anesthesia related hyperthermia; Malignant hyperpyrexia; Fulminating hyperpyrexia; Pharmacogenic myopathy. Identifiers: Orphanet 423, MedGen C2930980, MONDO:0007783, OMIM 145600.

Submission:

Color Diagnostics, LLC DBA Color Health
Classification: Uncertain significance for Malignant hyperthermia, susceptibility to, 1. Last evaluated: 2025-07-17. Review status: criteria provided, single submitter. Criteria: ACMG Guidelines, 2015. Collection method: clinical testing. Allele origin: germline.
Comment: This missense variant replaces serine with isoleucine at codon 2113 of the RYR1 protein. Computational prediction is inconclusive regarding the impact of this variant on protein structure and function. To our knowledge, functional studies have not been reported for this variant. This variant has not been reported in individuals affected with RYR1-related disorders in the literature. This variant has not been identified in the general population by the Genome Aggregation Database (gnomAD). The available evidence is insufficient to determine the role of this variant in disease conclusively. Therefore, this variant is classified as a Variant of Uncertain Significance.

NM_000540.3(RYR1):c.6338G>T (p.Ser2113Ile)

Gene: RYR1 (ryanodine receptor 1; plus strand). Cytogenetic location: 19q13.2.
Variant type: single nucleotide variant.
Coding change: c.6338G>T on transcript NM_000540.3 (MANE Select); coding-DNA position 6338, G replaced by T.
Protein change: p.Ser2113Ile; replaces serine 2113 with isoleucine.
Molecular consequence: missense variant.
Genome position (GRCh38, 1-based): chr19:38,494,415, G>T. VCF-style: chr19-38494415-G-T. GRCh37 (hg19) VCF-style: chr19-38985055-G-T.
Other names: c.6338G>T, p.Ser2113Ile (NM_001042723.2); short protein forms S2113I.
Identifiers: ClinVar variation 4758946 (VCV004758946.1).